The following is an entry in ClinVar:

NM_020975.6(RET):c.1076A>T (p.Asn359Ile)

Gene: RET (ret proto-oncogene; plus strand). Cytogenetic location: 10q11.21.
Variant type: single nucleotide variant.
Coding change: c.1076A>T on transcript NM_020975.6 (MANE Select); coding-DNA position 1076, A replaced by T.
Protein change: p.Asn359Ile; replaces asparagine 359 with isoleucine.
Molecular consequence: missense variant.
Genome position (GRCh38, 1-based): chr10:43,109,043, A>T. VCF-style: chr10-43109043-A-T. GRCh37 (hg19) VCF-style: chr10-43604491-A-T.
Other names: c.1076A>T, p.Asn359Ile (NM_000323.2, NM_001406743.1, NM_001406744.1 and 6 more transcripts); c.314A>T, p.Asn105Ile (NM_001355216.2); c.947A>T, p.Asn316Ile (NM_001406761.1, NM_001406762.1, NM_001406764.1 and 1 more transcripts); c.788A>T, p.Asn263Ile (NM_001406766.1, NM_001406767.1, NM_001406770.1); c.638A>T, p.Asn213Ile (NM_001406771.1, NM_001406773.1); c.350A>T, p.Asn117Ile (NM_001406775.1, NM_001406776.1, NM_001406777.1 and 1 more transcripts); c.86A>T, p.Asn29Ile (NM_001406784.1); short protein forms N105I, N359I, N213I, N263I, N29I, N316I, N117I.
Identifiers: ClinVar variation 1011282 (VCV001011282.10), dbSNP rs1204350955, ClinGen allele CA376547230.
Genomic context (GRCh38, chr10:43,109,043, plus strand): 5'-GAAGCAGCCAGAGCAGCTTGGTGGTCATTGTTGTGCCCCTACCTGCAGGGCTGGTTCTCA[A>T]CCGGAACCTCTCCATCTCGGAGAACCGCACCATGCAGCTGGCGGTGCTGGTCAATGACTC-3'
Protein context (NP_066124.1, residues 349-369): ATVHDYRLVL[Asn359Ile]RNLSISENRT

ClinVar aggregate classification (germline): Uncertain significance. Review status: criteria provided, multiple submitters, no conflicts (2 of 4 stars). 2 submissions from 2 submitters: Uncertain significance (2). Last evaluated 2026-02-09.

Conditions:
Multiple endocrine neoplasia, type 2 (MEN2). Identifiers: Orphanet 653, MedGen C4048306, MONDO:0019003. Disease mechanism: gain of function.

Submissions (2):

GeneDx
Classification: Uncertain significance. Last evaluated: 2026-02-09. Review status: criteria provided, single submitter. Criteria: GeneDx Variant Classification Process June 2021. Collection method: clinical testing. Allele origin: germline.
Comment: Not observed at significant frequency in large population cohorts (gnomAD); In silico analysis supports that this missense variant has a deleterious effect on protein structure/function; Has not been previously published as pathogenic or benign to our knowledge; This variant is associated with the following publications: (PMID: 14633923)

Labcorp Genetics (formerly Invitae), Labcorp
Classification: Uncertain significance for Multiple endocrine neoplasia, type 2. Last evaluated: 2025-03-09. Review status: criteria provided, single submitter. Criteria: Invitae Variant Classification Sherloc (09022015). Collection method: clinical testing. Allele origin: germline.
Comment: This sequence change replaces asparagine, which is neutral and polar, with isoleucine, which is neutral and non-polar, at codon 359 of the RET protein (p.Asn359Ile). This variant is not present in population databases (gnomAD no frequency). This variant has not been reported in the literature in individuals affected with RET-related conditions. ClinVar contains an entry for this variant (Variation ID: 1011282). An algorithm developed to predict the effect of missense changes on protein structure and function (PolyPhen-2) suggests that this variant is likely to be disruptive. In summary, the available evidence is currently insufficient to determine the role of this variant in disease. Therefore, it has been classified as a Variant of Uncertain Significance.